The following is an entry in ClinVar:

ClinVar aggregate classification (germline): Likely pathogenic. Review status: criteria provided, multiple submitters, no conflicts (2 of 4 stars). 3 submissions from 3 submitters: Likely pathogenic (3). Last evaluated 2025-03-03.

Conditions:
Autosomal recessive Alport syndrome (ATS2). Also called: COL4A3-Related Nephropathy; COL4A4 Alport Syndrome and Thin Basement Membrane Nephropathy; ALPORT SYNDROME 2, AUTOSOMAL RECESSIVE; Alport syndrome type 2. Identifiers: Orphanet 63, Orphanet 88919, MedGen C4746745, MONDO:0008762, OMIM 203780.
Hematuria, benign familial, 1 (BFH1). Also called: THIN MEMBRANE NEPHROPATHY. Identifiers: MedGen CN376803, MONDO:0007709, OMIM 141200.

Submissions (3):

Women's Health and Genetics/Laboratory Corporation of America, LabCorp
Classification: Likely pathogenic for Autosomal recessive Alport syndrome. Last evaluated: 2025-03-03. Review status: criteria provided, single submitter. Criteria: LabCorp Variant Classification Summary - May 2015. Collection method: clinical testing. Allele origin: germline.
Comment: Variant summary: c.327+1_327+5delGTAAG removes 5 nucleotides in a canonical splice-site region and is predicted to affect mRNA splicing resulting in a significantly altered protein due to either exon skipping, shortening, or inclusion of intronic material. Several computational tools predict a significant impact on normal splicing: Four predict the variant abolishes the canonical 5' splicing donor site. However, these predictions have yet to be confirmed by functional studies. The variant was absent in 247302 control chromosomes. To our knowledge, no occurrence of c.327+1_327+5delGTAAG in individuals affected with Alport Syndrome, Autosomal Recessive and no experimental evidence demonstrating its impact on protein function have been reported. No submitters have cited clinical-significance assessments for this variant to ClinVar. Based on the evidence outlined above, the variant was classified as Likely Pathogenic.

Labcorp Genetics (formerly Invitae), Labcorp
Classification: Likely pathogenic. Last evaluated: 2024-08-27. Review status: criteria provided, single submitter. Criteria: Invitae Variant Classification Sherloc (09022015). Collection method: clinical testing. Allele origin: germline.
Comment: This sequence change affects a splice site in intron 5 of the COL4A4 gene. It is expected to disrupt RNA splicing. Variants that disrupt the donor or acceptor splice site typically lead to a loss of protein function (PMID: 16199547), and loss-of-function variants in COL4A4 are known to be pathogenic (PMID: 21196518, 24854265, 25307543). This variant is not present in population databases (gnomAD no frequency). This variant has not been reported in the literature in individuals affected with COL4A4-related conditions. Algorithms developed to predict the effect of sequence changes on RNA splicing suggest that this variant may disrupt the consensus splice site. In summary, the currently available evidence indicates that the variant is pathogenic, but additional data are needed to prove that conclusively. Therefore, this variant has been classified as Likely Pathogenic.

Fulgent Genetics
Classification: Likely pathogenic for Hematuria, benign familial, 1; Autosomal recessive Alport syndrome. Last evaluated: 2024-03-29. Review status: criteria provided, single submitter. Criteria: ACMG Guidelines, 2015. Collection method: clinical testing. Allele origin: germline.

Literature cited by the submitters: PubMed 16199547 (cited by Labcorp Genetics (formerly Invitae), Labcorp); PubMed 21196518 (cited by Labcorp Genetics (formerly Invitae), Labcorp); PubMed 24854265 (cited by Labcorp Genetics (formerly Invitae), Labcorp); PubMed 25307543 (cited by Labcorp Genetics (formerly Invitae), Labcorp).

NM_000092.5(COL4A4):c.327+1_327+5del

Gene: COL4A4 (collagen type IV alpha 4 chain; minus strand). Cytogenetic location: 2q36.3.
Variant type: Deletion.
Coding change: c.327+1_327+5del on transcript NM_000092.5 (MANE Select); the canonical splice donor site of the intron after coding-DNA position 327 through 5 bases into the intron after coding-DNA position 327, 5 bases deleted (GTAAG; older notation c.327+1_327+5delGTAAG).
Molecular consequence: splice donor variant.
Genome position (GRCh38, 1-based): chr2:227,121,009-227,121,013, CTTAC deleted on the plus strand (GTAAG on the coding strand, the reverse complement: COL4A4 is on the minus strand); deleting any 5 consecutive bases within chr2:227,121,009-227,121,017 gives the same sequence; the c. name uses the placement nearest the transcript's 3' end. VCF-style (leftmost placement, unchanged base first): chr2-227121008-GCTTAC-G. GRCh37 (hg19) VCF-style: chr2-227985724-GCTTAC-G.
Other names: c.327+1_327+5delGTAAG (NM_000092.5).
Identifiers: ClinVar variation 3251375 (VCV003251375.5), dbSNP rs2476235922.